The following is an entry in ClinVar:

ClinVar aggregate classification (germline): Likely pathogenic (1 of 4 stars; one submission).

Submission:

Labcorp Genetics (formerly Invitae), Labcorp
Classification: Likely pathogenic. Last evaluated: 2021-06-16. Review status: criteria provided, single submitter. Criteria: Invitae Variant Classification Sherloc (09022015). Collection method: clinical testing. Allele origin: germline.
Comment: This variant disrupts the p.Met382 amino acid residue in FH. Other variant(s) that disrupt this residue have been determined to be pathogenic (PMID: 20618355, 26113603, Invitae). This suggests that this residue is clinically significant, and that variants that disrupt this residue are likely to be disease-causing. In summary, the currently available evidence indicates that the variant is pathogenic, but additional data are needed to prove that conclusively. Therefore, this variant has been classified as Likely Pathogenic. Advanced modeling of protein sequence and biophysical properties (such as structural, functional, and spatial information, amino acid conservation, physicochemical variation, residue mobility, and thermodynamic stability) performed at Invitae indicates that this missense variant is expected to disrupt FH protein function. This variant has not been reported in the literature in individuals with FH-related conditions. This variant is not present in population databases (ExAC no frequency). This sequence change replaces methionine with threonine at codon 382 of the FH protein (p.Met382Thr). The methionine residue is highly conserved and there is a moderate physicochemical difference between methionine and threonine.

Literature cited by the submitters: PubMed 20618355; PubMed 26113603.

NM_000143.4(FH):c.1145T>C (p.Met382Thr)

Gene: FH (fumarate hydratase; minus strand). Cytogenetic location: 1q43.
Variant type: single nucleotide variant.
Coding change: c.1145T>C on transcript NM_000143.4 (MANE Select); coding-DNA position 1145, T replaced by C.
Protein change: p.Met382Thr; replaces methionine 382 with threonine.
Molecular consequence: missense variant.
Genome position (GRCh38, 1-based): chr1:241,502,534, A>G on the plus strand (T>C on the coding strand, the complement: FH is on the minus strand). VCF-style: chr1-241502534-A-G. GRCh37 (hg19) VCF-style: chr1-241665834-A-G.
Other names: short protein forms M382T.
Identifiers: ClinVar variation 1469187 (VCV001469187.8), dbSNP rs2147914987, ClinGen allele CA345437520.